The following is an entry in ClinVar:

ClinVar aggregate classification (germline): Conflicting classifications of pathogenicity. Review status: criteria provided, conflicting classifications (1 of 4 stars). 7 submissions from 7 submitters: Uncertain significance (4); Likely benign (3). Last evaluated 2026-01-01.

Conditions:
DST-related disorder. Also called: DST-related condition; DST-related disorders.
Hereditary sensory and autonomic neuropathy type 6. Also called: Neuropathy, hereditary sensory and autonomic, type VI; HSAN VI. Identifiers: Orphanet 314381, MedGen C3539003, MONDO:0013839, OMIM 614653.
Epidermolysis bullosa simplex 3, localized or generalized intermediate, with BP230 deficiency (EBS3). Also called: Epidermolysis bullosa simplex due to BP230 deficiency; Epidermolysis bullosa simplex, autosomal recessive 2. Identifiers: Orphanet 412181, MedGen C3809470, MONDO:0014180, OMIM 615425.

Allele frequency attached by ClinVar (database versions not stated): 1000 Genomes Project 0.00020; 1000 Genomes Project 30x 0.00031; ExAC 0.00045; gnomAD exomes 0.00048 and 0.00097; TOPMed 0.00052; gnomAD 0.00066 and 0.00068; ESP Exome Variant Server 0.00100.
gnomAD v4.1: 1,496 of 1,614,106 alleles (0.093%); highest among the groups gnomAD compares: Non-Finnish European, 0.12%; 5 homozygotes.

Submissions (7):

CeGaT Center for Human Genetics Tuebingen
Classification: Likely benign. Last evaluated: 2026-01-01. Review status: criteria provided, single submitter. Criteria: CeGaT Center For Human Genetics Tuebingen Variant Classification Criteria Version 2. Collection method: clinical testing. Allele origin: germline. Affected: yes. Observed: 2 variant alleles.
Comment: DST: BP4

Women's Health and Genetics/Laboratory Corporation of America, LabCorp
Classification: Uncertain significance. Last evaluated: 2025-06-03. Review status: criteria provided, single submitter. Criteria: LabCorp Variant Classification Summary - May 2015. Collection method: clinical testing. Allele origin: germline.
Comment: Variant summary: DST c.3436A>G (p.Met1146Val) results in a conservative amino acid change in the encoded protein sequence. Algorithms developed to predict the effect of missense changes on protein structure and function are either unavailable or do not agree on the potential impact of this missense change. The variant allele was found at a frequency of 0.00093 in 1614106 control chromosomes in the gnomAD database, including 5 homozygotes. This frequency is not significantly higher than estimated for a pathogenic variant in DST causing Epidermolysis bullosa simplex 3, localized or generalized intermediate, with BP230 deficiency (0.00093 vs 0.0011), allowing no conclusion about variant significance. To our knowledge, no occurrence of c.3436A>G in individuals affected with Epidermolysis bullosa simplex 3, localized or generalized intermediate, with BP230 deficiency and no experimental evidence demonstrating its impact on protein function have been reported. ClinVar contains an entry for this variant (Variation ID: 357587). Based on the evidence outlined above, the variant was classified as uncertain significance.

PreventionGenetics, part of Exact Sciences
Classification: Likely benign for DST-related condition. Last evaluated: 2025-06-02. Review status: criteria provided, single submitter. Criteria: ACMG Guidelines, 2015. Collection method: clinical testing. Allele origin: germline.
Comment: This variant is classified as likely benign based on ACMG/AMP sequence variant interpretation guidelines (Richards et al. 2015 PMID: 25741868, with internal and published modifications).

Dasa
Classification: Likely benign. Last evaluated: 2025-05-30. Review status: criteria provided, single submitter. Criteria: DASA Assertion Criteria. Collection method: clinical testing. Allele origin: germline.
Comment: NM_001723.7(DST):c.3436A>G (p.Met1146Val) is a missense variant that results in the substitution of methionine with valine. Multiple computational predictions suggest no deleterious effect on the gene or gene product. The variant is present at low frequency in population datasets. Based on the available data, this variant is classified as likely benign.

GeneDx
Classification: Uncertain significance. Last evaluated: 2024-09-24. Review status: criteria provided, single submitter. Criteria: GeneDx Variant Classification Process June 2021. Collection method: clinical testing. Allele origin: germline. Affected: yes.
Comment: In silico analysis indicates that this missense variant does not alter protein structure/function; Has not been previously published as pathogenic or benign to our knowledge; Reported using the transcript encoding the epithelial isoform of the gene.

Labcorp Genetics (formerly Invitae), Labcorp
Classification: Uncertain significance for Epidermolysis bullosa simplex 3, localized or generalized intermediate, with BP230 deficiency; Hereditary sensory and autonomic neuropathy type 6. Last evaluated: 2022-10-05. Review status: criteria provided, single submitter. Criteria: Invitae Variant Classification Sherloc (09022015). Collection method: clinical testing. Allele origin: germline.
Comment: This sequence change replaces methionine, which is neutral and non-polar, with valine, which is neutral and non-polar, at codon 1146 of the DST protein (p.Met1146Val). This variant is present in population databases (rs148413592, gnomAD 0.1%), and has an allele count higher than expected for a pathogenic variant. This variant has not been reported in the literature in individuals affected with DST-related conditions. ClinVar contains an entry for this variant (Variation ID: 357587). Algorithms developed to predict the effect of missense changes on protein structure and function output the following: SIFT: "Deleterious"; PolyPhen-2: "Benign"; Align-GVGD: "Class C0". The valine amino acid residue is found in multiple mammalian species, which suggests that this missense change does not adversely affect protein function. In summary, the available evidence is currently insufficient to determine the role of this variant in disease. Therefore, it has been classified as a Variant of Uncertain Significance.

Mayo Clinic Laboratories, Mayo Clinic
Classification: Uncertain significance. Last evaluated: 2022-01-12. Review status: criteria provided, single submitter. Criteria: ACMG Guidelines, 2015. Collection method: clinical testing. Allele origin: germline.

NM_001723.7(DST):c.3436A>G (p.Met1146Val)

Gene: DST (dystonin; minus strand). Cytogenetic location: 6p12.1.
Variant type: single nucleotide variant.
Coding change: c.3436A>G on transcript NM_001723.7 (MANE Plus Clinical); coding-DNA position 3436, A replaced by G.
Protein change: p.Met1146Val; replaces methionine 1146 with valine.
Molecular consequence: missense variant. On other transcripts: intron variant (10).
Genome position (GRCh38, 1-based): chr6:56,620,598, T>C on the plus strand (A>G on the coding strand, the complement: DST is on the minus strand). VCF-style: chr6-56620598-T-C. GRCh37 (hg19) VCF-style: chr6-56485396-T-C.
Other names: p.Met1146Val; c.4830+3932A>G (NM_001144769.5); c.4929+3932A>G (NM_001374722.1, NM_001374736.1); c.4956+3932A>G (NM_001374734.1); c.4416+3932A>G (NM_001144770.2); c.4296+3932A>G (NM_001374730.1, NM_001386100.1, NM_183380.4 and 1 more transcripts); c.3318+3932A>G (NM_015548.5); short protein forms M1146V.
Identifiers: ClinVar variation 357587 (VCV000357587.60), dbSNP rs148413592, ClinGen allele CA3870713.